The following is an entry in ClinVar:

NM_000141.5(FGFR2):c.940-3T>G

Gene: FGFR2 (fibroblast growth factor receptor 2; minus strand). Cytogenetic location: 10q26.13.
Variant type: single nucleotide variant.
Coding change: c.940-3T>G on transcript NM_000141.5 (MANE Select); 3 bases into the intron before coding-DNA position 940, T replaced by G.
Molecular consequence: intron variant.
Genome position (GRCh38, 1-based): chr10:121,517,466, A>C on the plus strand (T>G on the coding strand, the complement: FGFR2 is on the minus strand). VCF-style: chr10-121517466-A-C. GRCh37 (hg19) VCF-style: chr10-123276980-A-C.
Other names: c.749-2147T>G (NM_001144914.1); c.595-3T>G (NM_001144918.2, NM_001441091.1, NM_001441090.1 and 1 more transcripts); c.673-3T>G (NM_001441089.1, NM_023029.3, NM_001144915.2); c.820+1216T>G (NM_001441088.1, NM_001144919.2); c.939+2513T>G (NM_001144917.2); c.940-3T>G (NM_001320658.2); c.1087+1216T>G (NM_001441087.1, NM_022970.4, NM_001144913.1); c.256-3T>G (NM_001320654.2).
Identifiers: ClinVar variation 3720969 (VCV003720969.2).
Genomic context (GRCh38, chr10:121,517,466, plus strand): 5'-TTACATTCCGAATATAGAGAACCTCAATCTCTTTGTCCGTGGTGTTAACACCGGCGGCCT[A>C]GAAAACAAGGGAAGCAAAAGAAAAGGCTAGACGACACAGGAATGATTGTGGAGGGGGCTG-3'

ClinVar aggregate classification (germline): Pathogenic (1 of 4 stars; one submission).

Conditions:
FGFR2-related craniosynostosis. Identifiers: MedGen CN231480.

Submission:

Labcorp Genetics (formerly Invitae), Labcorp
Classification: Pathogenic for FGFR2-related craniosynostosis. Last evaluated: 2025-01-27. Review status: criteria provided, single submitter. Criteria: Invitae Variant Classification Sherloc (09022015). Collection method: clinical testing. Allele origin: germline.
Comment: This sequence change falls in intron 7 of the FGFR2 gene. It does not directly change the encoded amino acid sequence of the FGFR2 protein. It affects a nucleotide within the consensus splice site. This variant is not present in population databases (gnomAD no frequency). This variant has been observed in individual(s) with Pfeiffer syndrome (PMID: 7795583; internal data). In at least one individual the variant was observed to be de novo. It has also been observed to segregate with disease in related individuals. Variants that disrupt the consensus splice site are a relatively common cause of aberrant splicing (PMID: 17576681, 9536098). Algorithms developed to predict the effect of sequence changes on RNA splicing suggest that this variant may disrupt the consensus splice site. For these reasons, this variant has been classified as Pathogenic.

Literature cited by the submitters: PubMed 7795583; PubMed 17576681; PubMed 9536098.